The following is an entry in ClinVar:

NM_014112.5(TRPS1):c.3616A>T (p.Asn1206Tyr)

Gene: TRPS1 (transcriptional repressor GATA binding 1; minus strand). Cytogenetic location: 8q23.3.
Variant type: single nucleotide variant.
Coding change: c.3616A>T on transcript NM_014112.5 (MANE Select); coding-DNA position 3616, A replaced by T.
Protein change: p.Asn1206Tyr; replaces asparagine 1206 with tyrosine.
Molecular consequence: missense variant.
Genome position (GRCh38, 1-based): chr8:115,414,292, T>A on the plus strand (A>T on the coding strand, the complement: TRPS1 is on the minus strand). VCF-style: chr8-115414292-T-A. GRCh37 (hg19) VCF-style: chr8-116426520-T-A.
Other names: c.3589A>T, p.Asn1197Tyr (NM_001282902.3); c.3595A>T, p.Asn1199Tyr (NM_001282903.3); c.3577A>T, p.Asn1193Tyr (NM_001330599.2); short protein forms N1199Y, N1206Y, N1193Y, N1197Y.
Identifiers: ClinVar variation 2930471 (VCV002930471.3), dbSNP rs1338583922, ClinGen allele CA372062371.

ClinVar aggregate classification (germline): Uncertain significance (1 of 4 stars; one submission).

Conditions:
Trichorhinophalangeal dysplasia type I (TRPS1). Also called: TRICHORHINOPHALANGEAL SYNDROME, TYPE I; TRPS I. Identifiers: Orphanet 77258, MedGen C0432233, MONDO:0008596, OMIM 190350.
Trichorhinophalangeal syndrome, type III (TRPS3). Also called: SUGIO-KAJII SYNDROME. Identifiers: Orphanet 77258, MedGen C1860823, OMIM 190351, MONDO:0008597.

Allele frequency attached by ClinVar (database versions not stated): gnomAD exomes 0.00001; TOPMed 0.00001; gnomAD 0.00003.
gnomAD v4.1: 9 of 1,613,884 alleles (0.00056%); highest among the groups gnomAD compares: East Asian, 0.02%; no homozygotes.

Submission:

Labcorp Genetics (formerly Invitae), Labcorp
Classification: Uncertain significance for Trichorhinophalangeal syndrome, type III; Trichorhinophalangeal dysplasia type I. Last evaluated: 2023-08-10. Review status: criteria provided, single submitter. Criteria: Invitae Variant Classification Sherloc (09022015). Collection method: clinical testing. Allele origin: germline.
Comment: This variant is present in population databases (no rsID available, gnomAD 0.06%). In summary, the available evidence is currently insufficient to determine the role of this variant in disease. Therefore, it has been classified as a Variant of Uncertain Significance. Advanced modeling of protein sequence and biophysical properties (such as structural, functional, and spatial information, amino acid conservation, physicochemical variation, residue mobility, and thermodynamic stability) performed at Invitae indicates that this missense variant is not expected to disrupt TRPS1 protein function. This variant has not been reported in the literature in individuals affected with TRPS1-related conditions. This sequence change replaces asparagine, which is neutral and polar, with tyrosine, which is neutral and polar, at codon 1206 of the TRPS1 protein (p.Asn1206Tyr).